The following is an entry in ClinVar:

NM_001009931.3(HRNR):c.7218C>T (p.His2406=)

Genes: CCDST (cervical cancer associated DHX9 suppressive transcript; plus strand), HRNR (hornerin; minus strand). Cytogenetic location: 1q21.3.
Variant type: single nucleotide variant.
Coding change: c.7218C>T on transcript NM_001009931.3 (MANE Select); coding-DNA position 7218, C replaced by T.
Protein change: p.His2406=; no amino-acid change (histidine 2406 retained).
Molecular consequence: synonymous variant.
Genome position (GRCh38, 1-based): chr1:152,214,411, G>A on the plus strand (C>T on the coding strand, the complement: HRNR is on the minus strand). VCF-style: chr1-152214411-G-A. GRCh37 (hg19) VCF-style: chr1-152186887-G-A.
Identifiers: ClinVar variation 3770558 (VCV003770558.13).

ClinVar aggregate classification (germline): Likely benign (1 of 4 stars; one submission).

Submission:

CeGaT Center for Human Genetics Tuebingen
Classification: Likely benign. Last evaluated: 2025-02-01. Review status: criteria provided, single submitter. Criteria: CeGaT Center For Human Genetics Tuebingen Variant Classification Criteria Version 2. Collection method: clinical testing. Allele origin: germline. Affected: yes. Observed: 1 variant allele.
Comment: HRNR: BP4, BP7